The following is an entry in ClinVar:

NM_000381.4(MID1):c.757-5832C>G

Gene: MID1 (midline 1; minus strand). Cytogenetic location: Xp22.2.
Variant type: single nucleotide variant.
Coding change: c.757-5832C>G on transcript NM_000381.4 (MANE Select); 5832 bases into the intron before coding-DNA position 757, C replaced by G.
Molecular consequence: intron variant. On other transcripts: missense variant (1).
Genome position (GRCh38, 1-based): chrX:10,501,523, G>C on the plus strand (C>G on the coding strand, the complement: MID1 is on the minus strand). VCF-style: chrX-10501523-G-C. GRCh37 (hg19) VCF-style: chrX-10469563-G-C.
Other names: c.793C>G, p.Gln265Glu (NM_001193278.1); c.757-5832C>G (NM_033290.4, NM_001098624.2, NM_001347733.2 and 2 more transcripts); c.643-5832C>G (NM_033289.2, NM_001193280.1); short protein forms Q265E.
Identifiers: ClinVar variation 5008360 (VCV005008360.1).

ClinVar aggregate classification (germline): Uncertain significance (1 of 4 stars; one submission).

Submission:

GeneDx
Classification: Uncertain significance. Last evaluated: 2026-03-02. Review status: criteria provided, single submitter. Criteria: GeneDx Variant Classification Process June 2021. Collection method: clinical testing. Allele origin: germline.
Comment: Not observed at significant frequency in large population cohorts (gnomAD); In silico analysis suggests that this variant does not alter splicing; Has not been previously published as pathogenic or benign to our knowledge; Reported using an alternate transcript of the gene